The following is an entry in ClinVar:

ClinVar aggregate classification (germline): Pathogenic (1 of 4 stars; one submission).

Conditions:
Glycogen storage disease IXa1. Also called: LIVER GLYCOGENOSIS, X-LINKED, TYPE I; GLYCOGEN STORAGE DISEASE VIII; GSD VIII; Glycogen storage disease 8. Identifiers: Orphanet 264580, MedGen C3694531, MONDO:0010598, OMIM 306000.

Submission:

Breakthrough Genomics
Classification: Pathogenic for Glycogen storage disease IXa1. Last evaluated: 2021-12-08. Review status: criteria provided, single submitter. Criteria: ACMG Guidelines, 2015. Collection method: clinical testing. Allele origin: germline. Affected: yes.
Comment: This variant seems to be a novel variant, as it has not been previously reported in population databases or in the literature. However, several other nonsense variants lying downstream of the variant, have been previously reported as pathogenic in the ClinVar database context of glycogen storage disease type IXa1. Loss-of-function variants in PHKA2 are known to be pathogenic [PMID: 7711737, 10330341].

NM_000292.3(PHKA2):c.1661G>A (p.Trp554Ter)

Gene: PHKA2 (phosphorylase kinase regulatory subunit alpha 2; minus strand). Cytogenetic location: Xp22.13.
Variant type: single nucleotide variant.
Coding change: c.1661G>A on transcript NM_000292.3 (MANE Select); coding-DNA position 1661, G replaced by A.
Protein change: p.Trp554Ter; replaces tryptophan 554 with a stop codon.
Molecular consequence: nonsense.
Genome position (GRCh38, 1-based): chrX:18,924,434, C>T on the plus strand (G>A on the coding strand, the complement: PHKA2 is on the minus strand). VCF-style: chrX-18924434-C-T. GRCh37 (hg19) VCF-style: chrX-18942552-C-T.
Other names: p.Trp554Ter; short protein forms W554*.
Identifiers: ClinVar variation 3255575 (VCV003255575.2).